The following is an entry in ClinVar:

NM_021831.6(AGBL5):c.2513G>A (p.Arg838Gln)

Gene: AGBL5 (AGBL carboxypeptidase 5; plus strand). Cytogenetic location: 2p23.3.
Variant type: single nucleotide variant.
Coding change: c.2513G>A on transcript NM_021831.6 (MANE Select); coding-DNA position 2513, G replaced by A.
Protein change: p.Arg838Gln; replaces arginine 838 with glutamine.
Molecular consequence: missense variant. On other transcripts: non-coding transcript variant (2).
Genome position (GRCh38, 1-based): chr2:27,070,115, G>A. VCF-style: chr2-27070115-G-A. GRCh37 (hg19) VCF-style: chr2-27292983-G-A.
Other names: short protein forms R838Q.
Identifiers: ClinVar variation 841908 (VCV000841908.9), dbSNP rs372775026, ClinGen allele CA1568284.

ClinVar aggregate classification (germline): Uncertain significance. Review status: criteria provided, multiple submitters, no conflicts (2 of 4 stars). 3 submissions from 3 submitters: Uncertain significance (3). Last evaluated 2024-08-12.

Conditions:
Inborn genetic diseases. Identifiers: MedGen C0950123, MeSH D030342.

Allele frequency attached by ClinVar (database versions not stated): gnomAD exomes 0.00002 and 0.00004; ExAC 0.00003; TOPMed 0.00003; gnomAD 0.00004.
gnomAD v4.1: 37 of 1,613,418 alleles (0.0023%); highest among the groups gnomAD compares: East Asian, 0.011%; no homozygotes.

Submissions (3):

Labcorp Genetics (formerly Invitae), Labcorp
Classification: Uncertain significance. Last evaluated: 2024-08-12. Review status: criteria provided, single submitter. Criteria: Invitae Variant Classification Sherloc (09022015). Collection method: clinical testing. Allele origin: germline.
Comment: This sequence change replaces arginine, which is basic and polar, with glutamine, which is neutral and polar, at codon 838 of the AGBL5 protein (p.Arg838Gln). This variant is present in population databases (rs372775026, gnomAD 0.02%). This variant has not been reported in the literature in individuals affected with AGBL5-related conditions. ClinVar contains an entry for this variant (Variation ID: 841908). An algorithm developed to predict the effect of missense changes on protein structure and function (PolyPhen-2) suggests that this variant¬†is likely to be tolerated. In summary, the available evidence is currently insufficient to determine the role of this variant in disease. Therefore, it has been classified as a Variant of Uncertain Significance.

Ambry Genetics
Classification: Uncertain significance for Inborn genetic diseases. Last evaluated: 2024-01-23. Review status: criteria provided, single submitter. Criteria: Ambry Variant Classification Scheme 2023. Collection method: clinical testing. Allele origin: germline.

Blueprint Genetics
Classification: Uncertain significance. Last evaluated: 2021-08-12. Review status: criteria provided, single submitter. Criteria: ACMG Guidelines, 2015. Collection method: clinical testing. Allele origin: germline.